The following is an entry in ClinVar:

ClinVar aggregate classification (germline): Uncertain significance. Review status: criteria provided, multiple submitters, no conflicts (2 of 4 stars). 5 submissions from 5 submitters: Uncertain significance (5). Last evaluated 2025-07-14.

Conditions:
Aortic aneurysm, familial thoracic 4 (AAT4). Also called: AORTIC ANEURYSM/AORTIC DISSECTION AND PATENT DUCTUS ARTERIOSUS. Identifiers: MedGen C1851504, MONDO:0007568, OMIM 132900.
Familial thoracic aortic aneurysm and aortic dissection (TAAD). Also called: Thoracic aortic aneurysms and dissections. Identifiers: Orphanet 91387, MedGen C4707243, MONDO:0019625.

Allele frequency attached by ClinVar (database versions not stated): TOPMed below 0.00001; ExAC 0.00001; gnomAD exomes 0.00001 and 0.00002; ESP Exome Variant Server 0.00008.
gnomAD v4.1: 20 of 1,613,492 alleles (0.0012%); highest among the groups gnomAD compares: East Asian, 0.0045%; no homozygotes.

Submissions (5):

Labcorp Genetics (formerly Invitae), Labcorp
Classification: Uncertain significance for Aortic aneurysm, familial thoracic 4. Last evaluated: 2025-07-14. Review status: criteria provided, single submitter. Criteria: Invitae Variant Classification Sherloc (09022015). Collection method: clinical testing. Allele origin: germline.
Comment: This sequence change replaces arginine, which is basic and polar, with glutamine, which is neutral and polar, at codon 1057 of the MYH11 protein (p.Arg1057Gln). This variant is present in population databases (rs367605434, gnomAD 0.01%). This variant has not been reported in the literature in individuals affected with MYH11-related conditions. ClinVar contains an entry for this variant (Variation ID: 577301). Invitae Evidence Modeling of protein sequence and biophysical properties (such as structural, functional, and spatial information, amino acid conservation, physicochemical variation, residue mobility, and thermodynamic stability) indicates that this missense variant is not expected to disrupt MYH11 protein function with a negative predictive value of 80%. In summary, the available evidence is currently insufficient to determine the role of this variant in disease. Therefore, it has been classified as a Variant of Uncertain Significance.

All of Us Research Program, National Institutes of Health
Classification: Uncertain significance for Familial thoracic aortic aneurysm and aortic dissection. Last evaluated: 2024-09-23. Review status: criteria provided, single submitter. Criteria: ACMG Guidelines, 2015. Collection method: clinical testing. Allele origin: germline. Inheritance: Autosomal dominant inheritance. Observed: 5 variant alleles, 5 heterozygotes.
Comment: This missense variant replaces arginine with glutamine at codon 1057 of the MYH11 protein. Computational prediction suggests that this variant may have deleterious impact on protein structure and function (internally defined REVEL score threshold >= 0.7, PMID: 27666373). To our knowledge, functional studies have not been reported for this variant. This variant has not been reported in individuals affected with cardiovascular disorders in the literature. This variant has been identified in 4/250982 chromosomes in the general population by the Genome Aggregation Database (gnomAD). The available evidence is insufficient to determine the role of this variant in disease conclusively. Therefore, this variant is classified as a Variant of Uncertain Significance.

This study involves interpretation of variants in research participants for the purpose of population health screening. Participant phenotype was not available at the time of variant classification. Additional details can be found in publication PMID: 35346344, PMCID: PMC8962531

Color Diagnostics, LLC DBA Color Health
Classification: Uncertain significance for Familial thoracic aortic aneurysm and aortic dissection. Last evaluated: 2024-03-06. Review status: criteria provided, single submitter. Criteria: ACMG Guidelines, 2015. Collection method: clinical testing. Allele origin: germline.
Comment: This missense variant replaces arginine with glutamine at codon 1057 of the MYH11 protein. Computational prediction suggests that this variant may have deleterious impact on protein structure and function (internally defined REVEL score threshold >= 0.7, PMID: 27666373). To our knowledge, functional studies have not been reported for this variant. This variant has not been reported in individuals affected with MYH11-related disorders in the literature. This variant has been identified in 4/250982 chromosomes in the general population by the Genome Aggregation Database (gnomAD). The available evidence is insufficient to determine the role of this variant in disease conclusively. Therefore, this variant is classified as a Variant of Uncertain Significance.

GeneDx
Classification: Uncertain significance. Last evaluated: 2022-11-02. Review status: criteria provided, single submitter. Criteria: GeneDx Variant Classification Process June 2021. Collection method: clinical testing. Allele origin: germline. Affected: yes.
Comment: Has not been previously published as pathogenic or benign to our knowledge; Not observed at significant frequency in large population cohorts (gnomAD); In silico analysis supports that this missense variant has a deleterious effect on protein structure/function

Ambry Genetics
Classification: Uncertain significance for Familial thoracic aortic aneurysm and aortic dissection. Last evaluated: 2022-03-03. Review status: criteria provided, single submitter. Criteria: Ambry Variant Classification Scheme 2023. Collection method: clinical testing. Allele origin: germline.
Comment: The p.R1050Q variant (also known as c.3149G>A), located in coding exon 24 of the MYH11 gene, results from a G to A substitution at nucleotide position 3149. The arginine at codon 1050 is replaced by glutamine, an amino acid with highly similar properties. This amino acid position is conserved. In addition, this alteration is predicted to be deleterious by in silico analysis. Since supporting evidence is limited at this time, the clinical significance of this alteration remains unclear.

NM_002474.3(MYH11):c.3149G>A (p.Arg1050Gln)

Gene: MYH11 (myosin heavy chain 11; minus strand). Cytogenetic location: 16p13.11.
Variant type: single nucleotide variant.
Coding change: c.3149G>A on transcript NM_002474.3 (MANE Select); coding-DNA position 3149, G replaced by A.
Protein change: p.Arg1050Gln; replaces arginine 1050 with glutamine.
Molecular consequence: missense variant.
Genome position (GRCh38, 1-based): chr16:15,737,593, C>T on the plus strand (G>A on the coding strand, the complement: MYH11 is on the minus strand). VCF-style: chr16-15737593-C-T. GRCh37 (hg19) VCF-style: chr16-15831450-C-T.
Other names: c.3170G>A, p.Arg1057Gln (NM_001040113.2, NM_001040114.2); c.3149G>A, p.Arg1050Gln (NM_022844.3); short protein forms R1057Q, R1050Q.
Identifiers: ClinVar variation 577301 (VCV000577301.15), dbSNP rs367605434, ClinGen allele CA7922073.
Genomic context (GRCh38, chr16:15,737,593, plus strand): 5'-TGCTCGTGGAAGTCGCTGGCATCACCCTCCAGCTTCCGTTTCAGCTTCTCCAGCTCCTGT[C>T]GGCTCTTCTCTTCCTTCTTTAGCCGCACTGCAAAAACCAAGGTGCTCTTCAGGAAGGGGA-3'
Protein context (NP_002465.1, residues 1040-1060): EVRLKKEEKS[Arg1050Gln]QELEKLKRKL